The following is an entry in ClinVar:

ClinVar aggregate classification (germline): Uncertain significance (1 of 4 stars; one submission).

Conditions:
KATNAL2-related disorder. Also called: KATNAL2-related condition.

Allele frequency attached by ClinVar (database versions not stated): ExAC 0.00008; TOPMed 0.00010; gnomAD 0.00012; gnomAD exomes 0.00012.
gnomAD v4.1: 192 of 1,535,706 alleles (0.013%); highest among the groups gnomAD compares: Middle Eastern, 0.067%; no homozygotes.

Submission:

PreventionGenetics, part of Exact Sciences
Classification: Uncertain significance for KATNAL2-related condition. Last evaluated: 2023-06-09. Review status: criteria provided, single submitter. Criteria: ACMG Guidelines, 2015. Collection method: clinical testing. Allele origin: germline.
Comment: The KATNAL2 c.70C>T variant is predicted to result in premature protein termination (p.Gln24*). To our knowledge, this variant has not been reported in the literature. This variant is reported in 0.027% of alleles in individuals of European (Non-Finnish) descent in gnomAD. At this time, the clinical significance of this variant is uncertain due to the absence of conclusive functional and genetic evidence.

NM_001387690.1(KATNAL2):c.-9C>T

Gene: KATNAL2 (katanin catalytic subunit A1 like 2; plus strand). Cytogenetic location: 18q21.1.
Variant type: single nucleotide variant.
Coding change: c.-9C>T on transcript NM_001387690.1 (MANE Select); 9 bases upstream of the start codon, C replaced by T.
Molecular consequence: 5 prime UTR variant. On other transcripts: nonsense (3), non-coding transcript variant (1).
Genome position (GRCh38, 1-based): chr18:46,946,864, C>T. VCF-style: chr18-46946864-C-T. GRCh37 (hg19) VCF-style: chr18-44526827-C-T.
Other names: c.70C>T, p.Gln24Ter (NM_001353899.1, NM_001353900.1, NM_001353902.1); c.-9C>T (NM_001353901.1, NM_001367621.1); c.-61C>T (NM_001353903.1, NM_001353904.1, NM_001353906.1 and 3 more transcripts); c.-354C>T (NM_001353905.1); c.-154C>T (NM_031303.3); short protein forms Q24*.
Identifiers: ClinVar variation 2634467 (VCV002634467.1), dbSNP rs377608846, ClinGen allele CA8953893.